The following is an entry in ClinVar:

ClinVar aggregate classification (germline): Uncertain significance. Review status: criteria provided, multiple submitters, no conflicts (2 of 4 stars). 2 submissions from 2 submitters: Uncertain significance (2). Last evaluated 2025-10-05.

Conditions:
Hereditary cancer-predisposing syndrome. Also called: Hereditary Cancer Syndrome; Hereditary neoplastic syndrome; Neoplastic Syndromes, Hereditary; Tumor predisposition. Identifiers: Orphanet 140162, MedGen C0027672, MeSH D009386, MONDO:0015356.
Oligodontia-cancer predisposition syndrome. Also called: TOOTH AGENESIS-COLORECTAL CANCER SYNDROME. Identifiers: Orphanet 300576, MedGen C1837750, MONDO:0012075, OMIM 608615. Disease mechanism: loss of function.

gnomAD v4.1: 10 of 1,601,418 alleles (0.00062%); highest among the groups gnomAD compares: Non-Finnish European, 0.00085%; no homozygotes.

Submissions (2):

Labcorp Genetics (formerly Invitae), Labcorp
Classification: Uncertain significance for Oligodontia-cancer predisposition syndrome. Last evaluated: 2025-10-05. Review status: criteria provided, single submitter. Criteria: Invitae Variant Classification Sherloc (09022015). Collection method: clinical testing. Allele origin: germline.
Comment: This sequence change replaces arginine, which is basic and polar, with glycine, which is neutral and non-polar, at codon 675 of the AXIN2 protein (p.Arg675Gly). This variant is present in population databases (no rsID available, gnomAD 0.0009%). This variant has not been reported in the literature in individuals affected with AXIN2-related conditions. ClinVar contains an entry for this variant (Variation ID: 408830). An algorithm developed to predict the effect of missense changes on protein structure and function (PolyPhen-2) suggests that this variant is likely to be tolerated. In summary, the available evidence is currently insufficient to determine the role of this variant in disease. Therefore, it has been classified as a Variant of Uncertain Significance.

Ambry Genetics
Classification: Uncertain significance for Hereditary cancer-predisposing syndrome. Last evaluated: 2024-02-22. Review status: criteria provided, single submitter. Criteria: Ambry Variant Classification Scheme 2023. Collection method: clinical testing. Allele origin: germline.
Comment: The p.R675G variant (also known as c.2023C>G), located in coding exon 7 of the AXIN2 gene, results from a C to G substitution at nucleotide position 2023. The arginine at codon 675 is replaced by glycine, an amino acid with dissimilar properties. This amino acid position is not well conserved in available vertebrate species. In addition, this alteration is predicted to be tolerated by in silico analysis. Since supporting evidence is limited at this time, the clinical significance of this alteration remains unclear.

NM_004655.4(AXIN2):c.2023C>G (p.Arg675Gly)

Gene: AXIN2 (axin 2; minus strand). Cytogenetic location: 17q24.1.
Variant type: single nucleotide variant.
Coding change: c.2023C>G on transcript NM_004655.4 (MANE Select); coding-DNA position 2023, C replaced by G.
Protein change: p.Arg675Gly; replaces arginine 675 with glycine.
Molecular consequence: missense variant.
Genome position (GRCh38, 1-based): chr17:65,536,438, G>C on the plus strand (C>G on the coding strand, the complement: AXIN2 is on the minus strand). VCF-style: chr17-65536438-G-C. GRCh37 (hg19) VCF-style: chr17-63532556-G-C.
Other names: c.2023C>G (LRG_296t1); c.1828C>G, p.Arg610Gly (NM_001363813.1); short protein forms R675G, R610G.
Identifiers: ClinVar variation 408830 (VCV000408830.10), dbSNP rs765149006, ClinGen allele CA16615874.